The following is an entry in ClinVar:

NM_001142800.2(EYS):c.6269G>A (p.Trp2090Ter)

Gene: EYS (EGF-like photoreceptor maintenance factor; minus strand). Cytogenetic location: 6q12.
Variant type: single nucleotide variant.
Coding change: c.6269G>A on transcript NM_001142800.2 (MANE Select); coding-DNA position 6269, G replaced by A.
Protein change: p.Trp2090Ter; replaces tryptophan 2090 with a stop codon.
Molecular consequence: nonsense.
Genome position (GRCh38, 1-based): chr6:64,230,747, C>T on the plus strand (G>A on the coding strand, the complement: EYS is on the minus strand). VCF-style: chr6-64230747-C-T. GRCh37 (hg19) VCF-style: chr6-64940640-C-T.
Other names: c.6269G>A, p.Trp2090Ter (NM_001292009.2); short protein forms W2090*.
Identifiers: ClinVar variation 619959 (VCV000619959.7), dbSNP rs1562263385, ClinGen allele CA364391475.

ClinVar aggregate classification (germline): Pathogenic. Review status: criteria provided, multiple submitters, no conflicts (2 of 4 stars). 4 submissions from 4 submitters: Pathogenic (4). Last evaluated 2025-02-26.

Conditions:
Retinitis pigmentosa 25 (RP25). Identifiers: Orphanet 791, MedGen C1864446, MONDO:0011272, OMIM 602772.
EYS-related disorder. Also called: EYS-related condition.

Allele frequency attached by ClinVar (database versions not stated): gnomAD exomes below 0.00001.
gnomAD v4.1: 1 of 1,551,546 alleles (0.000064%); highest among the groups gnomAD compares: Non-Finnish European, 0.000087%; no homozygotes.

Submissions (4):

Natera, Inc.
Classification: Pathogenic for Retinitis pigmentosa type 25. Last evaluated: 2025-02-26. Review status: criteria provided, single submitter. Criteria: Natera Variant Classification Schema (03/2026). Collection method: clinical testing. Allele origin: germline.
Comment: The c.6269G>A variant in EYS is a nonsense variant predicted to introduce a stop codon at amino acid 2090. This variant is expected to result in nonsense mediated decay, truncation, or a dysfunctional protein product. This variant is rare in the general population with a frequency below the threshold expected for the associated phenotype(s). This variant has been observed in one or more individuals affected with the associated recessive disease, as either homozygous or compound heterozygous with a second variant (PMID: 31816670, 34178978). Given the available evidence, this variant is classified as Pathogenic.

Blueprint Genetics
Classification: Pathogenic for EYS-related disorders. Last evaluated: 2023-12-14. Review status: criteria provided, single submitter. Criteria: ACMG Guidelines, 2015. Collection method: clinical testing. Allele origin: germline. Affected: yes. Observed: 5 variant alleles.

Labcorp Genetics (formerly Invitae), Labcorp
Classification: Pathogenic. Last evaluated: 2022-09-06. Review status: criteria provided, single submitter. Criteria: Invitae Variant Classification Sherloc (09022015). Collection method: clinical testing. Allele origin: germline.
Comment: This sequence change creates a premature translational stop signal (p.Trp2090*) in the EYS gene. It is expected to result in an absent or disrupted protein product. Loss-of-function variants in EYS are known to be pathogenic (PMID: 18836446, 20333770). This variant is not present in population databases (gnomAD no frequency). This variant has not been reported in the literature in individuals affected with EYS-related conditions. ClinVar contains an entry for this variant (Variation ID: 619959). For these reasons, this variant has been classified as Pathogenic.

Molecular Diagnostics Laboratory, M Health Fairview: University of Minnesota
Classification: Pathogenic for Retinitis pigmentosa 25. Last evaluated: 2016-05-13. Review status: criteria provided, single submitter. Criteria: ACMG Guidelines, 2015. Collection method: clinical testing. Allele origin: germline. Affected: yes. Observed: 1 variant allele.

Literature cited by the submitters: PubMed 31816670 (cited by Natera, Inc.); PubMed 34178978 (cited by Natera, Inc.); PubMed 18836446 (cited by Labcorp Genetics (formerly Invitae), Labcorp); PubMed 20333770 (cited by Labcorp Genetics (formerly Invitae), Labcorp).